The following is an entry in ClinVar:

NM_020911.2(PLXNA4):c.276C>T (p.Asn92=)

Gene: PLXNA4 (plexin A4; minus strand). Cytogenetic location: 7q32.3.
Variant type: single nucleotide variant.
Coding change: c.276C>T on transcript NM_020911.2 (MANE Select); coding-DNA position 276, C replaced by T.
Protein change: p.Asn92=; no amino-acid change (asparagine 92 retained).
Molecular consequence: synonymous variant.
Genome position (GRCh38, 1-based): chr7:132,508,418, G>A on the plus strand (C>T on the coding strand, the complement: PLXNA4 is on the minus strand). VCF-style: chr7-132508418-G-A. GRCh37 (hg19) VCF-style: chr7-132193177-G-A.
Other names: c.276C>T, p.Asn92= (NM_001105543.2, NM_001393897.1, NM_181775.4).
Identifiers: ClinVar variation 3357788 (VCV003357788.1).

ClinVar aggregate classification (germline): Likely benign (0 of 4 stars; one submission).

Conditions:
PLXNA4-related disorder. Also called: PLXNA4-related condition.

gnomAD v4.1: 1 of 1,614,058 alleles (0.000062%); highest among the groups gnomAD compares: Non-Finnish European, 0.000085%; no homozygotes.

Submission:

PreventionGenetics, part of Exact Sciences
Classification: Likely benign for PLXNA4-related condition. Last evaluated: 2021-08-09. Review status: no assertion criteria provided. Collection method: clinical testing. Allele origin: germline.
Comment: This variant is classified as likely benign based on ACMG/AMP sequence variant interpretation guidelines (Richards et al. 2015 PMID: 25741868, with internal and published modifications).